The following is an entry in ClinVar:

NM_212550.5(BLOC1S3):c.295G>A (p.Ala99Thr)

Gene: BLOC1S3 (biogenesis of lysosomal organelles complex 1 subunit 3; plus strand). Cytogenetic location: 19q13.32.
Variant type: single nucleotide variant.
Coding change: c.295G>A on transcript NM_212550.5 (MANE Select); coding-DNA position 295, G replaced by A.
Protein change: p.Ala99Thr; replaces alanine 99 with threonine.
Molecular consequence: missense variant.
Genome position (GRCh38, 1-based): chr19:45,179,591, G>A. VCF-style: chr19-45179591-G-A. GRCh37 (hg19) VCF-style: chr19-45682849-G-A.
Other names: short protein forms A99T.
Identifiers: ClinVar variation 1465776 (VCV001465776.3), dbSNP rs907378758, ClinGen allele CA308943282.

ClinVar aggregate classification (germline): Uncertain significance (1 of 4 stars; one submission).

gnomAD v4.1: 34 of 1,480,192 alleles (0.0023%); highest among the groups gnomAD compares: Non-Finnish European, 0.003%; no homozygotes.

Submission:

Labcorp Genetics (formerly Invitae), Labcorp
Classification: Uncertain significance. Last evaluated: 2021-07-31. Review status: criteria provided, single submitter. Criteria: Invitae Variant Classification Sherloc (09022015). Collection method: clinical testing. Allele origin: germline.
Comment: This sequence change replaces alanine with threonine at codon 99 of the BLOC1S3 protein (p.Ala99Thr). The alanine residue is weakly conserved and there is a small physicochemical difference between alanine and threonine. The frequency data for this variant in the population databases is considered unreliable, as metrics indicate insufficient coverage at this position in the ExAC database. This variant has not been reported in the literature in individuals affected with BLOC1S3-related conditions. Algorithms developed to predict the effect of missense changes on protein structure and function output the following: SIFT: "Tolerated"; PolyPhen-2: "Benign"; Align-GVGD: "Class C0". The threonine amino acid residue is found in multiple mammalian species, which suggests that this missense change does not adversely affect protein function. In summary, the available evidence is currently insufficient to determine the role of this variant in disease. Therefore, it has been classified as a Variant of Uncertain Significance.